The following is an entry in ClinVar:

NM_001035.3(RYR2):c.7750A>G (p.Met2584Val)

Gene: RYR2 (ryanodine receptor 2; plus strand). Cytogenetic location: 1q43.
Variant type: single nucleotide variant.
Coding change: c.7750A>G on transcript NM_001035.3 (MANE Select); coding-DNA position 7750, A replaced by G.
Protein change: p.Met2584Val; replaces methionine 2584 with valine.
Molecular consequence: missense variant.
Genome position (GRCh38, 1-based): chr1:237,651,427, A>G. VCF-style: chr1-237651427-A-G. GRCh37 (hg19) VCF-style: chr1-237814727-A-G.
Other names: c.7750A>G (NM_001035.2); short protein forms M2584V.
Identifiers: ClinVar variation 918395 (VCV000918395.19), dbSNP rs772541555, ClinGen allele CA087488.
Genomic context (GRCh38, chr1:237,651,427, plus strand): 5'-AGAAACATTTCTTGGCATTATGAACATTAGCTTTGTTCCAACAGACAACTGAGACCTTCT[A>G]TGATGCAGCACTTACTCAGAAGATTAGTATTTGATGTTCCATTATTAAATGAACACGCAA-3'
Protein context (NP_001026.2, residues 2574-2594): LSICGQLRPS[Met2584Val]MQHLLRRLVF

ClinVar aggregate classification (germline): Uncertain significance. Review status: criteria provided, multiple submitters, no conflicts (2 of 4 stars). 6 submissions from 6 submitters: Uncertain significance (6). Last evaluated 2026-04-14.

Conditions:
Cardiomyopathy (CMYO). Also called: Cardiomyopathies. Identifiers: Orphanet 167848, MedGen C0878544, MONDO:0004994, HP:0001638. Inheritance: Various modes of inheritance.
Arrhythmogenic right ventricular dysplasia 2. Identifiers: MedGen C1832931.
Catecholaminergic polymorphic ventricular tachycardia 1. Also called: VENTRICULAR TACHYCARDIA, STRESS-INDUCED POLYMORPHIC 1; VENTRICULAR TACHYCARDIA, CATECHOLAMINERGIC POLYMORPHIC, 1, WITH OR WITHOUT ATRIAL DYSFUNCTION AND/OR DILATED CARDIOMYOPATHY; RYR2-Related Catecholaminergic Polymorphic Ventricular Tachycardia. Identifiers: Orphanet 3286, MedGen C1631597, MONDO:0011484, OMIM 604772.
Ventricular arrhythmias due to cardiac ryanodine receptor calcium release deficiency syndrome. Also called: Autosomal dominant cardiac arrhythmia (Kuhn). Identifiers: MedGen C5542154, MONDO:0020745, OMIM 115000.
Cardiovascular phenotype. Identifiers: MedGen CN230736.
Catecholaminergic polymorphic ventricular tachycardia (CVPT). Also called: Catecholamine-induced polymorphic ventricular tachycardia. Identifiers: Orphanet 3286, MedGen C5574922, MONDO:0017990.

Allele frequency attached by ClinVar (database versions not stated): TOPMed below 0.00001; gnomAD exomes 0.00001; ExAC 0.00004; gnomAD 0.00001.
gnomAD v4.1: 26 of 1,595,432 alleles (0.0016%); highest among the groups gnomAD compares: East Asian, 0.0022%; no homozygotes.

Submissions (6):

Ambry Genetics
Classification: Uncertain significance for Cardiovascular phenotype. Last evaluated: 2026-04-14. Review status: criteria provided, single submitter. Criteria: Ambry Variant Classification Scheme 2023. Collection method: clinical testing. Allele origin: germline.
Comment: The p.M2584V variant (also known as c.7750A>G), located in coding exon 51 of the RYR2 gene, results from an A to G substitution at nucleotide position 7750. The methionine at codon 2584 is replaced by valine, an amino acid with highly similar properties. This amino acid position is highly conserved in available vertebrate species. In addition, this alteration is predicted to be deleterious by in silico analysis. Based on the available evidence, the clinical significance of this variant remains unclear.

Labcorp Genetics (formerly Invitae), Labcorp
Classification: Uncertain significance for Catecholaminergic polymorphic ventricular tachycardia 1. Last evaluated: 2024-11-11. Review status: criteria provided, single submitter. Criteria: Invitae Variant Classification Sherloc (09022015). Collection method: clinical testing. Allele origin: germline.
Comment: This sequence change replaces methionine, which is neutral and non-polar, with valine, which is neutral and non-polar, at codon 2584 of the RYR2 protein (p.Met2584Val). The frequency data for this variant in the population databases is considered unreliable, as metrics indicate poor data quality at this position in the gnomAD database. This missense change has been observed in individual(s) with hypertrophic cardiomyopathy (PMID: 25351510). ClinVar contains an entry for this variant (Variation ID: 918395). Invitae Evidence Modeling of protein sequence and biophysical properties (such as structural, functional, and spatial information, amino acid conservation, physicochemical variation, residue mobility, and thermodynamic stability) indicates that this missense variant is expected to disrupt RYR2 protein function with a positive predictive value of 95%. In summary, the available evidence is currently insufficient to determine the role of this variant in disease. Therefore, it has been classified as a Variant of Uncertain Significance.

GeneDx
Classification: Uncertain significance. Last evaluated: 2024-05-15. Review status: criteria provided, single submitter. Criteria: GeneDx Variant Classification Process June 2021. Collection method: clinical testing. Allele origin: germline. Affected: yes.
Comment: Identified in a patient with HCM in published literature (PMID: 25351510); Not observed at significant frequency in large population cohorts (gnomAD); In silico analysis supports that this missense variant has a deleterious effect on protein structure/function; Not located in one of the three hot-spot regions of the RYR2 gene, where the majority of pathogenic missense variants occur (PMID: 19926015); This variant is associated with the following publications: (PMID: 25351510)

All of Us Research Program, National Institutes of Health
Classification: Uncertain significance for Catecholaminergic polymorphic ventricular tachycardia. Last evaluated: 2023-12-13. Review status: criteria provided, single submitter. Criteria: ACMG Guidelines, 2015. Collection method: clinical testing. Allele origin: germline. Inheritance: Autosomal dominant inheritance. Observed: 1 variant allele, 1 heterozygote.
Comment: This missense variant replaces methionine with valine at codon 2584 of the RYR2 protein. Computational prediction suggests that this variant may have deleterious impact on protein structure and function (internally defined REVEL score threshold >= 0.7, PMID: 27666373). To our knowledge, functional studies have not been reported for this variant. This variant has not been reported in individuals affected with cardiovascular disorders in the literature. This variant has been identified in 3/222752 chromosomes in the general population by the Genome Aggregation Database (gnomAD). The available evidence is insufficient to determine the role of this variant in disease conclusively. Therefore, this variant is classified as a Variant of Uncertain Significance.

This study involves interpretation of variants in research participants for the purpose of population health screening. Participant phenotype was not available at the time of variant classification. Additional details can be found in publication PMID: 35346344, PMCID: PMC8962531

Color Diagnostics, LLC DBA Color Health
Classification: Uncertain significance for Cardiomyopathy. Last evaluated: 2023-11-17. Review status: criteria provided, single submitter. Criteria: ACMG Guidelines, 2015. Collection method: clinical testing. Allele origin: germline.
Comment: This missense variant replaces methionine with valine at codon 2584 of the RYR2 protein. Computational prediction suggests that this variant may have deleterious impact on protein structure and function (internally defined REVEL score threshold >= 0.7, PMID: 27666373). To our knowledge, functional studies have not been reported for this variant. This variant has been reported in an individual affected with hypertrophic cardiomyopathy (PMID: 25351510). This variant has been identified in 3/222752 chromosomes in the general population by the Genome Aggregation Database (gnomAD). The available evidence is insufficient to determine the role of this variant in disease conclusively. Therefore, this variant is classified as a Variant of Uncertain Significance.

Fulgent Genetics
Classification: Uncertain significance for Ventricular arrhythmias due to cardiac ryanodine receptor calcium release deficiency syndrome; Catecholaminergic polymorphic ventricular tachycardia 1. Last evaluated: 2021-09-08. Review status: criteria provided, single submitter. Criteria: ACMG Guidelines, 2015. Collection method: clinical testing. Allele origin: unknown.

Literature cited by the submitters: PubMed 25351510 (cited by Labcorp Genetics (formerly Invitae), Labcorp and Color Diagnostics, LLC DBA Color Health).